The following is an entry in ClinVar:

NM_205836.3(FBXO38):c.3362G>A (p.Arg1121Gln)

Gene: FBXO38 (F-box protein 38; plus strand). Cytogenetic location: 5q32.
Variant type: single nucleotide variant.
Coding change: c.3362G>A on transcript NM_205836.3 (MANE Select); coding-DNA position 3362, G replaced by A.
Protein change: p.Arg1121Gln; replaces arginine 1121 with glutamine.
Molecular consequence: missense variant.
Genome position (GRCh38, 1-based): chr5:148,441,211, G>A. VCF-style: chr5-148441211-G-A. GRCh37 (hg19) VCF-style: chr5-147820774-G-A.
Other names: c.2627G>A, p.Arg876Gln (NM_001271723.2); c.3137G>A, p.Arg1046Gln (NM_030793.5); short protein forms R1046Q, R876Q, R1121Q.
Identifiers: ClinVar variation 541007 (VCV000541007.13), dbSNP rs149713669, ClinGen allele CA3497731.

ClinVar aggregate classification (germline): Uncertain significance (1 of 4 stars; one submission).

Conditions:
Distal hereditary motor neuropathy type 2. Identifiers: Orphanet 139525, MedGen C3711384, MeSH C580044, MONDO:0015352.

Allele frequency attached by ClinVar (database versions not stated): gnomAD 0.00002; TOPMed 0.00002; ExAC 0.00004; ESP Exome Variant Server 0.00015.
gnomAD v4.1: 56 of 1,613,250 alleles (0.0035%); highest among the groups gnomAD compares: Non-Finnish European, 0.0042%; no homozygotes.

Submission:

Labcorp Genetics (formerly Invitae), Labcorp
Classification: Uncertain significance for Distal hereditary motor neuropathy type 2. Last evaluated: 2025-11-17. Review status: criteria provided, single submitter. Criteria: Invitae Variant Classification Sherloc (09022015). Collection method: clinical testing. Allele origin: germline.
Comment: This sequence change replaces arginine, which is basic and polar, with glutamine, which is neutral and polar, at codon 1046 of the FBXO38 protein (p.Arg1046Gln). This variant is present in population databases (rs149713669, gnomAD 0.004%). This variant has not been reported in the literature in individuals affected with FBXO38-related conditions. ClinVar contains an entry for this variant (Variation ID: 541007). An algorithm developed to predict the effect of missense changes on protein structure and function (PolyPhen-2) suggests that this variant is likely to be disruptive. In summary, the available evidence is currently insufficient to determine the role of this variant in disease. Therefore, it has been classified as a Variant of Uncertain Significance.